The following is an entry in ClinVar:

NM_020928.2(ZSWIM6):c.2785G>A (p.Gly929Arg)

Gene: ZSWIM6 (zinc finger SWIM-type containing 6; plus strand). Cytogenetic location: 5q12.1.
Variant type: single nucleotide variant.
Coding change: c.2785G>A on transcript NM_020928.2 (MANE Select); coding-DNA position 2785, G replaced by A.
Protein change: p.Gly929Arg; replaces glycine 929 with arginine.
Molecular consequence: missense variant.
Genome position (GRCh38, 1-based): chr5:61,541,965, G>A. VCF-style: chr5-61541965-G-A. GRCh37 (hg19) VCF-style: chr5-60837792-G-A.
Other names: short protein forms G929R.
Identifiers: ClinVar variation 4680891 (VCV004680891.1).
Genomic context (GRCh38, chr5:61,541,965, plus strand): 5'-ACCTTAAATTGGCGACGGCGGGAGATGGTGAGGTGGCTGGTAACGTGTGCTACTGAAGTC[G>A]GTAGGTAAACTCTGGAACAGAAGCTTTCCTAGGTGCCTCATGGTAGGATTTAACTTGTCA-3'
Protein context (NP_065979.1, residues 919-939): RWLVTCATEV[Gly929Arg]VYALDSIMQT

ClinVar aggregate classification (germline): Likely pathogenic (1 of 4 stars; one submission).

Submission:

GeneDx
Classification: Likely pathogenic. Last evaluated: 2025-07-02. Review status: criteria provided, single submitter. Criteria: GeneDx Variant Classification Process June 2021. Collection method: clinical testing. Allele origin: germline. Affected: yes.
Comment: Not observed at significant frequency in large population cohorts (gnomAD); In silico analysis supports that this missense variant has a deleterious effect on protein structure/function; In silico analysis is inconclusive as to whether the variant alters gene splicing. In the absence of RNA/functional studies, the actual effect of this sequence change is unknown.; Has not been previously published as pathogenic or benign to our knowledge